The following is an entry in ClinVar:

ClinVar aggregate classification (germline): Pathogenic (1 of 4 stars; one submission).

Conditions:
Autosomal recessive nonsyndromic hearing loss 4 (DFNB4). Also called: Deafness, autosomal recessive 4; Nonsyndromic enlarged vestibular aqueduct (NSEVA); FOXI1-Related Pendred Syndrome; KCNJ10-Related Pendred Syndrome; DEAFNESS, AUTOSOMAL RECESSIVE 4, WITH ENLARGED VESTIBULAR AQUEDUCT, DIGENIC; NEUROSENSORY NONSYNDROMIC RECESSIVE DEAFNESS 4. Identifiers: Orphanet 90636, MedGen C3538946, MONDO:0010933, OMIM 600791.

Submission:

Precision Medicine Center, Zhengzhou University
Classification: Pathogenic for Autosomal recessive nonsyndromic hearing loss 4. Review status: criteria provided, single submitter. Criteria: ACMG Guidelines, 2015. Collection method: clinical testing. Allele origin: germline. Affected: yes.
Comment: PS3_Moderate: Validated functional studies show a deleterious effect PM2: gnomAD genomes allele frequency = 0.00001594< 0.00007. PM3_VeryStrong: Pathogenic variant confirmed in trans in seven patients (this study). PP4: Patient's phenotype highly specific for gene.

Literature cited by the submitters: PubMed 30311386.

NM_000441.2(SLC26A4):c.304+941C>T

Gene: SLC26A4 (solute carrier family 26 member 4; plus strand). Cytogenetic location: 7q22.3.
Variant type: single nucleotide variant.
Coding change: c.304+941C>T on transcript NM_000441.2 (MANE Select); 941 bases into the intron after coding-DNA position 304, C replaced by T.
Molecular consequence: intron variant.
Genome position (GRCh38, 1-based): chr7:107,664,376, C>T. VCF-style: chr7-107664376-C-T. GRCh37 (hg19) VCF-style: chr7-107304821-C-T.
Identifiers: ClinVar variation 3233361 (VCV003233361.1), dbSNP rs2535283390, ClinGen allele CA2825001505.